The following is an entry in ClinVar:

ClinVar aggregate classification (germline): Benign/Likely benign. Review status: criteria provided, multiple submitters, no conflicts (2 of 4 stars). 12 submissions from 12 submitters: Benign (9); Likely benign (1). 2 of the submissions do not count toward it. Last evaluated 2026-06-01.

Conditions:
Polycystic kidney disease 4 (PKD4). Also called: POLYCYSTIC KIDNEY AND HEPATIC DISEASE 1; POLYCYSTIC KIDNEY DISEASE, INFANTILE, TYPE I; POLYCYSTIC KIDNEY DISEASE 4 WITH OR WITHOUT POLYCYSTIC LIVER DISEASE; PKD3; Autosomal Recessive Polycystic Kidney Disease – PKHD1. Identifiers: MedGen C4540575, MONDO:0033004, OMIM 263200.
Autosomal recessive polycystic kidney disease (ARPKD). Also called: AR polycystic kidney disease. Identifiers: Orphanet 731, Orphanet 8378, MedGen C0085548, MeSH D017044, MONDO:0009889.

Allele frequency attached by ClinVar (database versions not stated): gnomAD exomes 0.00107 and 0.00276; ExAC 0.00348; gnomAD 0.00998 and 0.01066; 1000 Genomes Project 0.01038; TOPMed 0.01136; ESP Exome Variant Server 0.01230; 1000 Genomes Project 30x 0.01234.
gnomAD v4.1: 3,140 of 1,614,094 alleles (0.19%); highest among the groups gnomAD compares: African/African-American, 3.3%; 59 homozygotes.

Submissions (12):

CeGaT Center for Human Genetics Tuebingen
Classification: Benign. Last evaluated: 2026-06-01. Review status: criteria provided, single submitter. Criteria: CeGaT Center For Human Genetics Tuebingen Variant Classification Criteria Version 2. Collection method: clinical testing. Allele origin: germline. Affected: yes. Observed: 4 variant alleles.
Comment: PKHD1: BP4, BS1, BS2

Labcorp Genetics (formerly Invitae), Labcorp
Classification: Benign for Autosomal recessive polycystic kidney disease. Last evaluated: 2026-02-01. Review status: criteria provided, single submitter. Criteria: Invitae Variant Classification Sherloc (09022015). Collection method: clinical testing. Allele origin: germline.

GeneDx
Classification: Benign. Last evaluated: 2020-07-27. Review status: criteria provided, single submitter. Criteria: GeneDx Variant Classification Process June 2021. Collection method: clinical testing. Allele origin: germline. Affected: yes.
Comment: This variant is associated with the following publications: (PMID: 16876319, 27225849)

Department of Pathology and Laboratory Medicine, Sinai Health System
Classification: Benign for Polycystic kidney disease 4. Last evaluated: 2020-06-29. Review status: criteria provided, single submitter. Criteria: ACMG Guidelines, 2015. Collection method: clinical testing. Allele origin: germline. Affected: yes.

Women's Health and Genetics/Laboratory Corporation of America, LabCorp
Classification: Benign. Last evaluated: 2019-07-18. Review status: criteria provided, single submitter. Criteria: LabCorp Variant Classification Summary - May 2015. Collection method: clinical testing. Allele origin: germline.
Comment: Variant summary: PKHD1 c.3686G>C (p.Trp1229Ser) results in a non-conservative amino acid change located in the IPT domain (IPR002909) of the encoded protein sequence. Four of five in-silico tools predict a benign effect of the variant on protein function. The variant allele was found at a frequency of 0.0034 in 280922 control chromosomes, predominantly at a frequency of 0.033 within the African or African-American subpopulation in the gnomAD database, including 18 homozygotes. The observed variant frequency within African or African-American control individuals in the gnomAD database is approximately 4 fold of the estimated maximal expected allele frequency for a pathogenic variant in PKHD1 causing Polycystic Kidney and Hepatic Disease phenotype (0.0071), strongly suggesting that the variant is a benign polymorphism found primarily in populations of African or African-American origin. The variant, c.3686G>C, has been reported in the literature in individuals affected with juvenile myoclonic epilepsy or Autosomal recessive polycystic kidney disease (Suzuki_2006, Melchionda_2016). These reports do not provide unequivocal conclusions about association of the variant with Polycystic Kidney and Hepatic Disease. To our knowledge, no experimental evidence demonstrating an impact on protein function has been reported. Three ClinVar submissions from other clinical diagnostic laboratories (evaluation after 2014) classified the variant as benign (2x) and likely pathogenic (1x). Based on the evidence outlined above, the variant was classified as benign.

Mayo Clinic Laboratories, Mayo Clinic
Classification: Benign. Last evaluated: 2018-08-31. Review status: criteria provided, single submitter. Criteria: ACMG Guidelines, 2015. Collection method: clinical testing. Allele origin: germline. Observed: 8 variant alleles.

Illumina Laboratory Services, Illumina
Classification: Benign for Polycystic kidney disease 4. Last evaluated: 2017-04-28. Review status: criteria provided, single submitter. Criteria: ICSL Variant Classification Criteria 13 December 2019. Collection method: clinical testing. Allele origin: germline.
Comment: This variant was observed as part of a predisposition screen in an ostensibly healthy population. A literature search was performed for the gene, cDNA change, and amino acid change (where applicable). Publications were found based on this search. The evidence from the literature, in combination with allele frequency data from public databases where available, was sufficient to rule this variant out of causing disease. Therefore, this variant is classified as benign.

Eurofins Ntd Llc (ga)
Classification: Benign. Last evaluated: 2015-02-23. Review status: criteria provided, single submitter. Criteria: EGL Classification Definitions 2015. Collection method: clinical testing. Allele origin: germline. Observed: 3 variant alleles, 3 heterozygotes.

Breakthrough Genomics
Classification: Likely benign. Review status: criteria provided, single submitter. Criteria: ACMG Guidelines, 2015. Collection method: not provided. Allele origin: germline. Inheritance: Autosomal recessive inheritance. Affected: yes.

PreventionGenetics, part of Exact Sciences
Classification: Benign. Review status: criteria provided, single submitter. Criteria: ACMG Guidelines, 2015. Collection method: clinical testing. Allele origin: germline.

Natera, Inc.
Classification: Benign for Autosomal recessive polycystic kidney disease. Last evaluated: 2017-05-17. Review status: no assertion criteria provided. Collection method: clinical testing. Allele origin: germline. Not counted in ClinVar's aggregate classification.

Counsyl
Classification: Likely benign for Polycystic kidney disease 4. Last evaluated: 2017-01-06. Review status: no assertion criteria provided. Collection method: clinical testing. Allele origin: unknown. Not counted in ClinVar's aggregate classification.

Literature cited by the submitters: PubMed 27225849 (cited by 3 submitters); PubMed 16876319 (cited by Women's Health and Genetics/Laboratory Corporation of America, LabCorp and Illumina Laboratory Services, Illumina).

NM_138694.4(PKHD1):c.3686G>C (p.Trp1229Ser)

Gene: PKHD1 (PKHD1 ciliary IPT domain containing fibrocystin/polyductin; minus strand). Cytogenetic location: 6p12.2.
Variant type: single nucleotide variant.
Coding change: c.3686G>C on transcript NM_138694.4 (MANE Select); coding-DNA position 3686, G replaced by C.
Protein change: p.Trp1229Ser; replaces tryptophan 1229 with serine.
Molecular consequence: missense variant.
Genome position (GRCh38, 1-based): chr6:52,026,124, C>G on the plus strand (G>C on the coding strand, the complement: PKHD1 is on the minus strand). VCF-style: chr6-52026124-C-G. GRCh37 (hg19) VCF-style: chr6-51890922-C-G.
Other names: p.Trp1229Ser; c.3686G>C, p.Trp1229Ser (NM_170724.3); short protein forms W1229S.
Identifiers: ClinVar variation 196802 (VCV000196802.52), dbSNP rs2499481, ClinGen allele CA202592.